The following is an entry in ClinVar:

NM_007374.3(SIX6):c.616C>G (p.Arg206Gly)

Genes: C14orf39 (chromosome 14 open reading frame 39; minus strand), SIX6 (SIX homeobox 6; plus strand). Cytogenetic location: 14q23.1.
Variant type: single nucleotide variant.
Coding change: c.616C>G on transcript NM_007374.3 (MANE Select); coding-DNA position 616, C replaced by G.
Protein change: p.Arg206Gly; replaces arginine 206 with glycine.
Molecular consequence: missense variant.
Genome position (GRCh38, 1-based): chr14:60,511,127, C>G. VCF-style: chr14-60511127-C-G. GRCh37 (hg19) VCF-style: chr14-60977845-C-G.
Other names: short protein forms R206G.
Identifiers: ClinVar variation 2073523 (VCV002073523.1), dbSNP rs148118869, ClinGen allele CA7212641.

ClinVar aggregate classification (germline): Uncertain significance (1 of 4 stars; one submission).

gnomAD v4.1: 54 of 1,612,688 alleles (0.0033%); highest among the groups gnomAD compares: Non-Finnish European, 0.0043%; no homozygotes.

Submission:

Labcorp Genetics (formerly Invitae), Labcorp
Classification: Uncertain significance. Last evaluated: 2022-06-02. Review status: criteria provided, single submitter. Criteria: Invitae Variant Classification Sherloc (09022015). Collection method: clinical testing. Allele origin: germline.
Comment: This sequence change replaces arginine, which is basic and polar, with glycine, which is neutral and non-polar, at codon 206 of the SIX6 protein (p.Arg206Gly). This variant is present in population databases (rs148118869, gnomAD 0.004%). This variant has not been reported in the literature in individuals affected with SIX6-related conditions. Algorithms developed to predict the effect of missense changes on protein structure and function (SIFT, PolyPhen-2, Align-GVGD) all suggest that this variant is likely to be tolerated. Algorithms developed to predict the effect of sequence changes on RNA splicing suggest that this variant may create or strengthen a splice site. In summary, the available evidence is currently insufficient to determine the role of this variant in disease. Therefore, it has been classified as a Variant of Uncertain Significance.